The following is an entry in ClinVar:

ClinVar aggregate classification (germline): Pathogenic (1 of 4 stars; one submission).

Conditions:
Fabry disease. Also called: ALPHA-GALACTOSIDASE A DEFICIENCY; ANDERSON-FABRY DISEASE; CERAMIDE TRIHEXOSIDASE DEFICIENCY; GLA DEFICIENCY; HEREDITARY DYSTOPIC LIPIDOSIS; Angiokeratoma corporis diffusum. Identifiers: Orphanet 324, MedGen C0002986, MONDO:0010526, OMIM 301500, HP:0001071. Disease mechanism: Fabry disease is due to inactivating mutations in the X-linked GLA gene resulting in deficiency of the enzyme Alpha Galactosidase-A., loss of function.

Submission:

Genomenon, Inc
Classification: Pathogenic for Fabry disease. Last evaluated: 2026-09-08. Review status: criteria provided, single submitter. Criteria: Genomenon Sequence Variant Interpretation Standards - Updated. Collection method: curation. Allele origin: germline. Affected: yes.
Comment: GLA p.Ser401Ter (c.1202C>A) is a nonsense variant that introduces a premature stop codon at amino acid position 401 and is predicted to result in a truncated or absent protein product. This variant has been observed in at least one proband with clinical features consistent with Fabry disease (PMID:27585509). The variant was found to segregate with disease in at least one affected family (PMID:27585509). Functional or patient cell studies have been reported (PMID:27585509). It is absent or not present at a significant frequency in gnomAD. In conclusion, we classify GLA p.Ser401Ter (c.1202C>A) as a pathogenic variant.

Literature cited by the submitters: PubMed 27585509.

NM_000169.3(GLA):c.1202C>A (p.Ser401Ter)

Genes: GLA (galactosidase alpha; minus strand), RPL36A-HNRNPH2 (RPL36A-HNRNPH2 readthrough; plus strand). Cytogenetic location: Xq22.1.
Variant type: single nucleotide variant.
Coding change: c.1202C>A on transcript NM_000169.3 (MANE Select); coding-DNA position 1202, C replaced by A.
Protein change: p.Ser401Ter; replaces serine 401 with a stop codon.
Molecular consequence: nonsense. On other transcripts: non-coding transcript variant (3), intron variant (2).
Genome position (GRCh38, 1-based): chrX:101,397,897, G>T on the plus strand (C>A on the coding strand, the complement: GLA is on the minus strand). VCF-style: chrX-101397897-G-T. GRCh37 (hg19) VCF-style: chrX-100652885-G-T.
Other names: c.1325C>A, p.Ser442Ter (NM_001406747.1); c.300+2440G>T (NM_001199973.2); c.177+6075G>T (NM_001199974.2); short protein forms S401*, S442*.
Identifiers: ClinVar variation 4087202 (VCV004087202.2).
Genomic context (GRCh38, chrX:101,397,897, plus strand): 5'-ATTGTATTTTCTAGCTGAAGCAAAACAGTGCCTGTGGGATTTATGTGACTTCTTAACCTT[G>T]AAGTCCATTCATAGAACCCTAGCTTCCTTTTCACAGGGAGGAGCTGTGTGATGAAGCAGG-3'